The following is an entry in ClinVar:

ClinVar aggregate classification (germline): Uncertain significance. Review status: criteria provided, multiple submitters, no conflicts (2 of 4 stars). 2 submissions from 2 submitters: Uncertain significance (2). Last evaluated 2025-08-13.

Allele frequency attached by ClinVar (database versions not stated): gnomAD exomes 0.00003; ExAC 0.00004.

Submissions (2):

Ambry Genetics
Classification: Uncertain significance. Last evaluated: 2025-08-13. Review status: criteria provided, single submitter. Criteria: Ambry Variant Classification Scheme 2023. Collection method: clinical testing. Allele origin: germline.

Labcorp Genetics (formerly Invitae), Labcorp
Classification: Uncertain significance. Last evaluated: 2021-06-01. Review status: criteria provided, single submitter. Criteria: Invitae Variant Classification Sherloc (09022015). Collection method: clinical testing. Allele origin: germline.
Comment: In summary, the available evidence is currently insufficient to determine the role of this variant in disease. Therefore, it has been classified as a Variant of Uncertain Significance. Algorithms developed to predict the effect of missense changes on protein structure and function (SIFT, PolyPhen-2, Align-GVGD) all suggest that this variant is likely to be tolerated, but these predictions have not been confirmed by published functional studies and their clinical significance is uncertain. This variant has not been reported in the literature in individuals with TOP2B-related conditions. This variant is present in population databases (rs745633495, ExAC 0.02%). This sequence change replaces lysine with arginine at codon 598 of the TOP2B protein (p.Lys598Arg). The lysine residue is highly conserved and there is a small physicochemical difference between lysine and arginine.

NM_001330700.2(TOP2B):c.1808A>G (p.Lys603Arg)

Gene: TOP2B (DNA topoisomerase II beta; minus strand). Cytogenetic location: 3p24.2.
Variant type: single nucleotide variant.
Coding change: c.1808A>G on transcript NM_001330700.2 (MANE Select); coding-DNA position 1808, A replaced by G.
Protein change: p.Lys603Arg; replaces lysine 603 with arginine.
Molecular consequence: missense variant.
Genome position (GRCh38, 1-based): chr3:25,628,945, T>C on the plus strand (A>G on the coding strand, the complement: TOP2B is on the minus strand). VCF-style: chr3-25628945-T-C. GRCh37 (hg19) VCF-style: chr3-25670436-T-C.
Other names: c.1793A>G (NM_001068.2); c.1793A>G, p.Lys598Arg (NM_001068.3); short protein forms K598R, K603R.
Identifiers: ClinVar variation 1433195 (VCV001433195.9), dbSNP rs745633495, ClinGen allele CA2288622.